The following is an entry in ClinVar:

ClinVar aggregate classification (germline): Conflicting classifications of pathogenicity. Review status: criteria provided, conflicting classifications (1 of 4 stars). 3 submissions from 3 submitters: Uncertain significance (1); Likely benign (1). 1 of the submissions does not count toward it. Last evaluated 2026-01-05.

Conditions:
TTC8-related disorder. Also called: TTC8-related condition.
Bardet-Biedl syndrome (BBS). Identifiers: Orphanet 110, MedGen C0752166, MONDO:0015229.

Allele frequency attached by ClinVar (database versions not stated): gnomAD 0.00003 and 0.00004; TOPMed 0.00005; ESP Exome Variant Server 0.00008.
gnomAD v4.1: 137 of 1,609,368 alleles (0.0085%); highest among the groups gnomAD compares: Non-Finnish European, 0.011%; no homozygotes.

Submissions (3):

Labcorp Genetics (formerly Invitae), Labcorp
Classification: Uncertain significance for Bardet-Biedl syndrome. Last evaluated: 2026-01-05. Review status: criteria provided, single submitter. Criteria: Invitae Variant Classification Sherloc (09022015). Collection method: clinical testing. Allele origin: germline.
Comment: This sequence change falls in intron 2 of the TTC8 gene. It does not directly change the encoded amino acid sequence of the TTC8 protein. It affects a nucleotide within the consensus splice site. This variant is present in population databases (rs370326452, gnomAD 0.01%). This variant has not been reported in the literature in individuals affected with TTC8-related conditions. ClinVar contains an entry for this variant (Variation ID: 940976). Variants that disrupt the consensus splice site are a relatively common cause of aberrant splicing (PMID: 17576681, 9536098). Algorithms developed to predict the effect of sequence changes on RNA splicing suggest that this variant is not likely to affect RNA splicing. In summary, the available evidence is currently insufficient to determine the role of this variant in disease. Therefore, it has been classified as a Variant of Uncertain Significance.

Blueprint Genetics
Classification: Likely benign. Last evaluated: 2023-11-07. Review status: criteria provided, single submitter. Criteria: ACMG Guidelines, 2015. Collection method: clinical testing. Allele origin: germline.

PreventionGenetics, part of Exact Sciences
Classification: Likely benign for TTC8-related condition. Last evaluated: 2020-10-30. Review status: no assertion criteria provided. Collection method: clinical testing. Allele origin: germline. Not counted in ClinVar's aggregate classification.
Comment: This variant is classified as likely benign based on ACMG/AMP sequence variant interpretation guidelines (Richards et al. 2015 PMID: 25741868, with internal and published modifications).

Literature cited by the submitters: PubMed 17576681 (cited by Labcorp Genetics (formerly Invitae), Labcorp); PubMed 9536098 (cited by Labcorp Genetics (formerly Invitae), Labcorp).

NM_144596.4(TTC8):c.114+6G>C

Gene: TTC8 (tetratricopeptide repeat domain 8; plus strand). Cytogenetic location: 14q31.3.
Variant type: single nucleotide variant.
Coding change: c.114+6G>C on transcript NM_144596.4 (MANE Select); 6 bases into the intron after coding-DNA position 114, G replaced by C.
Molecular consequence: intron variant.
Genome position (GRCh38, 1-based): chr14:88,824,827, G>C. VCF-style: chr14-88824827-G-C. GRCh37 (hg19) VCF-style: chr14-89291171-G-C.
Other names: c.-449+6G>C (NM_001288782.1); c.114+6G>C (NM_001288781.1, NM_198309.3, NM_198310.3 and 3 more transcripts); c.-544+6G>C (NM_001288783.1).
Identifiers: ClinVar variation 940976 (VCV000940976.11), dbSNP rs370326452, ClinGen allele CA7302325.